The following is an entry in ClinVar:

NM_018486.3(HDAC8):c.9_17dup (p.Pro7_Ala8insGluGluPro)

Gene: HDAC8 (histone deacetylase 8; minus strand). Cytogenetic location: Xq13.1.
Variant type: Duplication.
Coding change: c.9_17dup on transcript NM_018486.3 (MANE Select); coding-DNA positions 9 to 17, 9 bases duplicated (GCCGGAGGA; older notation c.9_17dupGCCGGAGGA).
Protein change: p.Pro7_Ala8insGluGluPro.
Molecular consequence: inframe insertion, initiator codon variant. On other transcripts: inframe indel (5), non-coding transcript variant (1).
Genome position (GRCh38, 1-based): chrX:72,572,745-72,572,753, TCCTCCGGC duplicated on the plus strand (GCCGGAGGA on the coding strand, the reverse complement: HDAC8 is on the minus strand); duplicating any 9 consecutive bases within chrX:72,572,745-72,572,759 gives the same sequence; the c. name uses the placement nearest the transcript's 3' end. VCF-style (leftmost placement, unchanged base first): chrX-72572744-T-TTCCTCCGGC. GRCh37 (hg19) VCF-style: chrX-71792594-T-TTCCTCCGGC.
Other names: c.9_17dup (NM_018486.2); c.9_17dup, p.Pro7_Ala8insGluGluPro (NM_001166418.2, NM_001166419.2, NM_001166420.2 and 2 more transcripts); c.3_11dup, p.Pro7_Ala8insGluGluPro (NM_001410725.1, NM_001410727.1, NM_001410728.1 and 2 more transcripts).
Identifiers: ClinVar variation 2049280 (VCV002049280.7), dbSNP rs2522256171, ClinGen allele CA516748984.
Genomic context (GRCh38, chrX:72,572,744, plus strand): 5'-ACTGACATACTCGGGACTATAGATATAAACCGGGACCAGCGACTGCCCACTGTCCGCCGG[T>TTCCTCCGGC]TCCTCCGGCTCCTCCATCTTCCGCTTAAAACCGTTCCGCAGCCACCTTCCAGATCTGGCT-3'

ClinVar aggregate classification (germline): Conflicting classifications of pathogenicity. Review status: criteria provided, conflicting classifications (1 of 4 stars). 2 submissions from 2 submitters: Uncertain significance (1); Benign (1). Last evaluated 2026-10-06.

Conditions:
Cornelia de Lange syndrome 5 (CDLS5). Also called: HDAC8-Related Cornelia de Lange Syndrome. Identifiers: Orphanet 199, MedGen C3550903, MONDO:0010471, OMIM 300882.

Submissions (2):

GeneDx
Classification: Uncertain significance. Last evaluated: 2026-10-06. Review status: criteria provided, single submitter. Criteria: GeneDx Variant Classification Process June 2021. Collection method: clinical testing. Allele origin: germline.
Comment: In-frame duplication of 3 amino acid(s) in a non-repeat region; Not observed at significant frequency in large population cohorts (gnomAD); Has not been previously published as pathogenic or benign to our knowledge

Labcorp Genetics (formerly Invitae), Labcorp
Classification: Benign for Cornelia de Lange syndrome 5. Last evaluated: 2022-11-08. Review status: criteria provided, single submitter. Criteria: Invitae Variant Classification Sherloc (09022015). Collection method: clinical testing. Allele origin: germline.